The following is an entry in ClinVar:

NM_001366385.1(CARD14):c.611A>G (p.His204Arg)

Gene: CARD14 (caspase recruitment domain family member 14; plus strand). Cytogenetic location: 17q25.3.
Variant type: single nucleotide variant.
Coding change: c.611A>G on transcript NM_001366385.1 (MANE Select); coding-DNA position 611, A replaced by G.
Protein change: p.His204Arg; replaces histidine 204 with arginine.
Molecular consequence: missense variant. On other transcripts: non-coding transcript variant (1).
Genome position (GRCh38, 1-based): chr17:80,184,174, A>G. VCF-style: chr17-80184174-A-G. GRCh37 (hg19) VCF-style: chr17-78157973-A-G.
Other names: c.611A>G, p.His204Arg (NM_001257970.1, NM_024110.4); short protein forms H204R.
Identifiers: ClinVar variation 2072819 (VCV002072819.4), dbSNP rs1259672678, ClinGen allele CA401337774.

ClinVar aggregate classification (germline): Uncertain significance (1 of 4 stars; one submission).

Conditions:
Pityriasis rubra pilaris (PRP). Also called: Pityriasis rubra pilaris--familial type. Identifiers: Orphanet 2897, MedGen C0032027, MONDO:0100017, OMIM 173200, MONDO:0008251.
Psoriasis 2. Identifiers: MedGen C1864497, MONDO:0011269, OMIM 602723.

Allele frequency attached by ClinVar (database versions not stated): gnomAD exomes 0.00001.
gnomAD v4.1: 5 of 1,562,876 alleles (0.00032%); highest among the groups gnomAD compares: East Asian, 0.0024%; no homozygotes.

Submission:

Labcorp Genetics (formerly Invitae), Labcorp
Classification: Uncertain significance for Pityriasis rubra pilaris; Psoriasis 2. Last evaluated: 2022-09-16. Review status: criteria provided, single submitter. Criteria: Invitae Variant Classification Sherloc (09022015). Collection method: clinical testing. Allele origin: germline.
Comment: This sequence change replaces histidine, which is basic and polar, with arginine, which is basic and polar, at codon 204 of the CARD14 protein (p.His204Arg). The frequency data for this variant in the population databases is considered unreliable, as metrics indicate poor data quality at this position in the gnomAD database. This variant has not been reported in the literature in individuals affected with CARD14-related conditions. Advanced modeling of protein sequence and biophysical properties (such as structural, functional, and spatial information, amino acid conservation, physicochemical variation, residue mobility, and thermodynamic stability) performed at Invitae indicates that this missense variant is not expected to disrupt CARD14 protein function. In summary, the available evidence is currently insufficient to determine the role of this variant in disease. Therefore, it has been classified as a Variant of Uncertain Significance.